The following is an entry in ClinVar:

NM_001252102.2(KIF21B):c.1403-1G>C

Gene: KIF21B (kinesin family member 21B; minus strand). Cytogenetic location: 1q32.1.
Variant type: single nucleotide variant.
Coding change: c.1403-1G>C on transcript NM_001252102.2 (MANE Select); the canonical splice acceptor site of the intron before coding-DNA position 1403, G replaced by C.
Molecular consequence: splice acceptor variant.
Genome position (GRCh38, 1-based): chr1:201,000,781, C>G on the plus strand (G>C on the coding strand, the complement: KIF21B is on the minus strand). VCF-style: chr1-201000781-C-G. GRCh37 (hg19) VCF-style: chr1-200969909-C-G.
Other names: c.1403-1G>C (NM_001252103.2, NM_017596.4, NM_001252100.2).
Identifiers: ClinVar variation 3371811 (VCV003371811.1).

ClinVar aggregate classification (germline): Uncertain significance (1 of 4 stars; one submission).

Submission:

GeneDx
Classification: Uncertain significance. Last evaluated: 2024-04-11. Review status: criteria provided, single submitter. Criteria: GeneDx Variant Classification Process June 2021. Collection method: clinical testing. Allele origin: germline. Affected: yes.
Comment: Not observed at significant frequency in large population cohorts (gnomAD); Canonical splice site variant in a gene or region of a gene for which loss of function is not a well-established mechanism of disease; Has not been previously published as pathogenic or benign to our knowledge